The following is an entry in ClinVar:

ClinVar aggregate classification (germline): Uncertain significance (1 of 4 stars; one submission).

Conditions:
Alexander disease (ALXDRD). Also called: Alexander's disease. Identifiers: Orphanet 58, MedGen C0270726, MONDO:0008752, OMIM 203450.

Submission:

3billion
Classification: Uncertain significance for Alexander disease. Last evaluated: 2024-12-30. Review status: criteria provided, single submitter. Criteria: ACMG Guidelines, 2015. Collection method: clinical testing. Allele origin: germline. Affected: yes.
Comment: The variant is not observed in the gnomAD v4.1.0 dataset. Predicted Consequence/Location: Missense variant. Missense changes are a common disease-causing mechanism. In silico tool predictions suggest damaging effect of the variant on gene or gene product [REVEL: 0.84 (>=0.6, sensitivity 0.68 and specificity 0.92)]. Therefore, this variant is classified as VUS according to the recommendation of ACMG/AMP guideline.

NM_002055.5(GFAP):c.682A>G (p.Lys228Glu)

Gene: GFAP (glial fibrillary acidic protein; minus strand). Cytogenetic location: 17q21.31.
Variant type: single nucleotide variant.
Coding change: c.682A>G on transcript NM_002055.5 (MANE Select); coding-DNA position 682, A replaced by G.
Protein change: p.Lys228Glu; replaces lysine 228 with glutamic acid.
Molecular consequence: missense variant.
Genome position (GRCh38, 1-based): chr17:44,913,367, T>C on the plus strand (A>G on the coding strand, the complement: GFAP is on the minus strand). VCF-style: chr17-44913367-T-C. GRCh37 (hg19) VCF-style: chr17-42990735-T-C.
Other names: c.682A>G, p.Lys228Glu (NM_001131019.3, NM_001242376.3, NM_001363846.2); short protein forms K228E.
Identifiers: ClinVar variation 4292292 (VCV004292292.1).
Genomic context (GRCh38, chr17:44,913,367, plus strand): 5'-TGGACGCCATTGCCTCATACTGCGTGCGGATCTCTTTCAGGGCTGCGGTGAGGTCTGGCT[T>C]GGCCACGTCAAGCTCCACATGGACCTGCTGTCGGGCCAGCTGCTCCTGGAGTTCCCGAAC-3'
Protein context (NP_002046.1, residues 218-238): QQVHVELDVA[Lys228Glu]PDLTAALKEI